The following is an entry in ClinVar:

NM_001693.4(ATP6V1B2):c.1003T>C (p.Tyr335His)

Gene: ATP6V1B2 (ATPase H+ transporting V1 subunit B2; plus strand). Cytogenetic location: 8p21.3.
Variant type: single nucleotide variant.
Coding change: c.1003T>C on transcript NM_001693.4 (MANE Select); coding-DNA position 1003, T replaced by C.
Protein change: p.Tyr335His; replaces tyrosine 335 with histidine.
Molecular consequence: missense variant.
Genome position (GRCh38, 1-based): chr8:20,214,893, T>C. VCF-style: chr8-20214893-T-C. GRCh37 (hg19) VCF-style: chr8-20072404-T-C.
Other names: short protein forms Y335H.
Identifiers: ClinVar variation 2503201 (VCV002503201.2), dbSNP rs2486468494, ClinGen allele CA370472881.

ClinVar aggregate classification (germline): Uncertain significance (1 of 4 stars; one submission).

Allele frequency attached by ClinVar (database versions not stated): gnomAD exomes below 0.00001.
gnomAD v4.1: 1 of 1,613,638 alleles (0.000062%); highest among the groups gnomAD compares: Non-Finnish European, 0.000085%; no homozygotes.

Submission:

GeneDx
Classification: Uncertain significance. Last evaluated: 2025-08-20. Review status: criteria provided, single submitter. Criteria: GeneDx Variant Classification Process June 2021. Collection method: clinical testing. Allele origin: germline.
Comment: Not observed at significant frequency in large population cohorts (gnomAD); In silico analysis supports that this missense variant has a deleterious effect on protein structure/function; Has not been previously published as pathogenic or benign to our knowledge